The following is an entry in ClinVar:

NM_001164508.2(NEB):c.18024_18027del (p.Val6009fs)

Gene: NEB (nebulin; minus strand). Cytogenetic location: 2q23.3.
Variant type: Deletion.
Coding change: c.18024_18027del on transcript NM_001164508.2 (MANE Select); coding-DNA positions 18024 to 18027, 4 bases deleted (AGTC; older notation c.18024_18027delAGTC).
Protein change: p.Val6009fs; shifts the reading frame from valine 6009.
Molecular consequence: frameshift variant.
Genome position (GRCh38, 1-based): chr2:151,567,297-151,567,300, GACT deleted on the plus strand (AGTC on the coding strand, the reverse complement: NEB is on the minus strand); deleting any 4 consecutive bases within chr2:151,567,297-151,567,303 gives the same sequence; the c. name uses the placement nearest the transcript's 3' end. VCF-style (leftmost placement, unchanged base first): chr2-151567296-AGACT-A. GRCh37 (hg19) VCF-style: chr2-152423810-AGACT-A.
Other names: c.18024_18027del, p.Val6009fs (NM_001164507.2, NM_001271208.2); c.12921_12924del, p.Val4308fs (NM_004543.5); short protein forms V4308fs, V6009fs.
Identifiers: ClinVar variation 917562 (VCV000917562.42), dbSNP rs748358450, ClinGen allele CA57660321.

ClinVar aggregate classification (germline): Pathogenic/Likely pathogenic. Review status: criteria provided, multiple submitters, no conflicts (2 of 4 stars). 3 submissions from 3 submitters: Pathogenic (1); Likely pathogenic (2). Last evaluated 2023-12-05.

Conditions:
Nemaline myopathy 2 (NEM2). Also called: Nemaline myopathy 2, autosomal recessive. Identifiers: MedGen C1850569, MONDO:0009725, OMIM 256030.
Nemaline myopathy. Also called: Myopathies, Nemaline. Identifiers: Orphanet 607, MedGen C0206157, MONDO:0018958.

Submissions (3):

Labcorp Genetics (formerly Invitae), Labcorp
Classification: Pathogenic for Nemaline myopathy 2. Last evaluated: 2023-12-05. Review status: criteria provided, single submitter. Criteria: Invitae Variant Classification Sherloc (09022015). Collection method: clinical testing. Allele origin: germline.
Comment: This sequence change creates a premature translational stop signal (p.Val6009Trpfs*67) in the NEB gene. It is expected to result in an absent or disrupted protein product. Loss-of-function variants in NEB are known to be pathogenic (PMID: 25205138). This variant is not present in population databases (gnomAD no frequency). This variant has not been reported in the literature in individuals affected with NEB-related conditions. ClinVar contains an entry for this variant (Variation ID: 917562). For these reasons, this variant has been classified as Pathogenic.

CeGaT Center for Human Genetics Tuebingen
Classification: Likely pathogenic. Last evaluated: 2021-10-01. Review status: criteria provided, single submitter. Criteria: CeGaT Center For Human Genetics Tuebingen Variant Classification Criteria Version 2. Collection method: clinical testing. Allele origin: germline. Affected: yes. Observed: 1 variant allele.

Women's Health and Genetics/Laboratory Corporation of America, LabCorp
Classification: Likely pathogenic for Nemaline myopathy. Last evaluated: 2020-01-20. Review status: criteria provided, single submitter. Criteria: LabCorp Variant Classification Summary - May 2015. Collection method: clinical testing. Allele origin: germline.
Comment: Variant summary: NEB c.18024_18027delAGTC (p.Val6009TrpfsX67) results in a premature termination codon, predicted to cause a truncation of the encoded protein or absence of the protein due to nonsense mediated decay, which are commonly known mechanisms for disease. Truncations downstream of this position have been classified as pathogenic by our laboratory. The variant was absent in 249036 control chromosomes (gnomAD). To our knowledge, no occurrence of c.18024_18027delAGTC in individuals affected with Nemaline Myopathy 2 and no experimental evidence demonstrating an impact on protein function have been reported. No clinical diagnostic laboratories have submitted clinical-significance assessments for this variant to ClinVar after 2014. Based on the evidence outlined above, the variant was classified as likely pathogenic.

Literature cited by the submitters: PubMed 25205138 (cited by Labcorp Genetics (formerly Invitae), Labcorp).